The following is an entry in ClinVar:

NM_000059.4(BRCA2):c.4982_4984del (p.Tyr1661del)

Gene: BRCA2 (BRCA2 DNA repair associated; plus strand). Cytogenetic location: 13q13.1.
Variant type: Deletion.
Coding change: c.4982_4984del on transcript NM_000059.4 (MANE Select); coding-DNA positions 4982 to 4984, 3 bases deleted (ATT; older notation c.4982_4984delATT).
Protein change: p.Tyr1661del; deletes tyrosine 1661.
Molecular consequence: inframe deletion. On other transcripts: non-coding transcript variant (1), intron variant (2).
Genome position (GRCh38, 1-based): chr13:32,339,337-32,339,339, ATT deleted; deleting any 3 consecutive bases within chr13:32,339,335-32,339,339 gives the same sequence; the c. name uses the placement nearest the transcript's 3' end. VCF-style (leftmost placement, unchanged base first): chr13-32339334-CTTA-C. GRCh37 (hg19) VCF-style: chr13-32913471-CTTA-C.
Other names: p.Tyr1661del; c.4982_4984del, p.Tyr1661del (NM_001406719.1, NM_001406720.1); c.1910-5221_1910-5219del (NM_001406721.1); c.425-5221_425-5219del (NM_001406722.1); short protein forms Y1661del.
Identifiers: ClinVar variation 2990785 (VCV002990785.4), dbSNP rs2548529738, ClinGen allele CA2740097656.

ClinVar aggregate classification (germline): Uncertain significance/VUS-high. Review status: criteria provided, multiple submitters, no conflicts (2 of 4 stars). 2 submissions from 2 submitters: Uncertain significance (1); VUS-high (1). Last evaluated 2026-08-01.

Conditions:
Hereditary breast ovarian cancer syndrome. Also called: Hereditary breast and/or ovarian cancer syndrome; BRCA1- and BRCA2-Associated Hereditary Breast and Ovarian Cancer; Hereditary breast and ovarian cancer syndrome; Hereditary breast and ovarian cancer; Hereditary breast and ovarian cancer syndrome (HBOC); Breast and ovarian cancer. Identifiers: Orphanet 145, MedGen C0677776, MeSH D061325, MONDO:0003582. Disease mechanism: loss of function.

Submissions (2):

Dr. Zeinali's Medical Genetics Lab, Kawsar Human Genetics Research Center
Classification: VUS-high for Hereditary breast ovarian cancer syndrome. Last evaluated: 2026-08-01. Review status: criteria provided, single submitter. Criteria: ACMG Guidelines, 2015. Collection method: clinical testing. Allele origin: germline. Inheritance: Autosomal dominant inheritance. Affected: yes. Observed: 1 variant allele, 1 heterozygote.
Comment: The BRCA2 c.4982_4984del variant is absent or extremely rare in population databases, including gnomAD, supporting its rarity in the general population. The variant is an in-frame deletion resulting in a change in protein length; however, according to current BRCA2-specific variant interpretation recommendations, this type of evidence is not independently sufficient to establish pathogenicity. This personal and family history is compatible with a hereditary cancer predisposition involving BRCA2; however, the available clinical information is insufficient to establish a definitive causal relationship between the variant and the observed cancers. No experimental functional studies were identified or evaluated for this variant, and therefore no functional evidence was applied. Computational prediction evidence was also not available or was not evaluated. Overall, the available evidence is insufficient to establish the pathogenicity or benignity of the BRCA2 c.4982_4984del variant. Although the variant is rare and its molecular consequence may be biologically relevant, the current evidence does not support a definitive pathogenic or likely pathogenic classification. Therefore, this laboratory classifies the variant as a Variant of Uncertain Significance (VUS).

Labcorp Genetics (formerly Invitae), Labcorp
Classification: Uncertain significance for Hereditary breast ovarian cancer syndrome. Last evaluated: 2024-10-21. Review status: criteria provided, single submitter. Criteria: Invitae Variant Classification Sherloc (09022015). Collection method: clinical testing. Allele origin: germline.
Comment: This variant, c.4982_4984del, results in the deletion of 1 amino acid(s) of the BRCA2 protein (p.Tyr1661del), but otherwise preserves the integrity of the reading frame. This variant is not present in population databases (gnomAD no frequency). This variant has not been reported in the literature in individuals affected with BRCA2-related conditions. Experimental studies and prediction algorithms are not available or were not evaluated, and the functional significance of this variant is currently unknown. In summary, the available evidence is currently insufficient to determine the role of this variant in disease. Therefore, it has been classified as a Variant of Uncertain Significance.